The following is an entry in ClinVar:

ClinVar aggregate classification (germline): Uncertain significance (0 of 4 stars; one submission).

Conditions:
POLR3B-related disorder. Also called: POLR3B-related condition; POLR3B-related disorders. Identifiers: MedGen CN378588, MONDO:0700277.

Allele frequency attached by ClinVar (database versions not stated): gnomAD exomes below 0.00001.
gnomAD v4.1: 2 of 1,606,710 alleles (0.00012%); highest among the groups gnomAD compares: Non-Finnish European, 0.00017%; no homozygotes.

Submission:

PreventionGenetics, part of Exact Sciences
Classification: Uncertain significance for POLR3B-related condition. Last evaluated: 2023-12-15. Review status: no assertion criteria provided. Collection method: clinical testing. Allele origin: germline.
Comment: The POLR3B c.1135A>G variant is predicted to result in the amino acid substitution p.Lys379Glu. To our knowledge, this variant has not been reported in the literature or in a large population database, indicating this variant is rare. At this time, the clinical significance of this variant is uncertain due to the absence of conclusive functional and genetic evidence.

NM_018082.6(POLR3B):c.1135A>G (p.Lys379Glu)

Gene: POLR3B (RNA polymerase III subunit B; plus strand). Cytogenetic location: 12q23.3.
Variant type: single nucleotide variant.
Coding change: c.1135A>G on transcript NM_018082.6 (MANE Select); coding-DNA position 1135, A replaced by G.
Protein change: p.Lys379Glu; replaces lysine 379 with glutamic acid.
Molecular consequence: missense variant.
Genome position (GRCh38, 1-based): chr12:106,427,230, A>G. VCF-style: chr12-106427230-A-G. GRCh37 (hg19) VCF-style: chr12-106821008-A-G.
Other names: c.961A>G, p.Lys321Glu (NM_001160708.2); short protein forms K321E, K379E.
Identifiers: ClinVar variation 3034949 (VCV003034949.2), dbSNP rs2542104151, ClinGen allele CA386388146.